The following is an entry in ClinVar:

NM_181882.3(PRX):c.3941T>C (p.Val1314Ala)

Gene: PRX (periaxin; minus strand). Cytogenetic location: 19q13.2.
Variant type: single nucleotide variant.
Coding change: c.3941T>C on transcript NM_181882.3 (MANE Select); coding-DNA position 3941, T replaced by C.
Protein change: p.Val1314Ala; replaces valine 1314 with alanine.
Molecular consequence: missense variant. On other transcripts: 3 prime UTR variant (1).
Genome position (GRCh38, 1-based): chr19:40,394,411, A>G on the plus strand (T>C on the coding strand, the complement: PRX is on the minus strand). VCF-style: chr19-40394411-A-G. GRCh37 (hg19) VCF-style: chr19-40900318-A-G.
Other names: c.4226T>C, p.Val1409Ala (NM_001411127.1); c.*4146T>C (NM_020956.2); short protein forms V1409A, V1314A.
Identifiers: ClinVar variation 3699750 (VCV003699750.2).

ClinVar aggregate classification (germline): Uncertain significance (1 of 4 stars; one submission).

Conditions:
Charcot-Marie-Tooth disease type 4. Also called: Charcot-Marie-Tooth disease, type IV; Charcot-Marie-Tooth, Type 4. Identifiers: Orphanet 64749, MedGen C4082197, MONDO:0018995.

Submission:

Labcorp Genetics (formerly Invitae), Labcorp
Classification: Uncertain significance for Charcot-Marie-Tooth disease type 4. Last evaluated: 2024-09-09. Review status: criteria provided, single submitter. Criteria: Invitae Variant Classification Sherloc (09022015). Collection method: clinical testing. Allele origin: germline.
Comment: This sequence change replaces valine, which is neutral and non-polar, with alanine, which is neutral and non-polar, at codon 1314 of the PRX protein (p.Val1314Ala). This variant is not present in population databases (gnomAD no frequency). This variant has not been reported in the literature in individuals affected with PRX-related conditions. Invitae Evidence Modeling of protein sequence and biophysical properties (such as structural, functional, and spatial information, amino acid conservation, physicochemical variation, residue mobility, and thermodynamic stability) indicates that this missense variant is not expected to disrupt PRX protein function with a negative predictive value of 80%. In summary, the available evidence is currently insufficient to determine the role of this variant in disease. Therefore, it has been classified as a Variant of Uncertain Significance.